The following is an entry in ClinVar:

ClinVar aggregate classification (germline): Conflicting classifications of pathogenicity. Review status: criteria provided, conflicting classifications (1 of 4 stars). 2 submissions from 2 submitters: Uncertain significance (1); Likely benign (1). Last evaluated 2025-06-21.

Conditions:
Hereditary cancer-predisposing syndrome. Also called: Tumor predisposition; Hereditary Cancer Syndrome; Hereditary neoplastic syndrome; Neoplastic Syndromes, Hereditary. Identifiers: Orphanet 140162, MedGen C0027672, MeSH D009386, MONDO:0015356.
Hereditary nonpolyposis colorectal neoplasms. Identifiers: MedGen C0009405, MeSH D003123.

Allele frequency attached by ClinVar (database versions not stated): gnomAD exomes below 0.00001; TOPMed below 0.00001; ExAC 0.00001.
gnomAD v4.1: 1 of 1,614,154 alleles (0.000062%); highest among the groups gnomAD compares: African/African-American, 0.0013%; no homozygotes.

Submissions (2):

Ambry Genetics
Classification: Uncertain significance for Hereditary cancer-predisposing syndrome. Last evaluated: 2025-06-21. Review status: criteria provided, single submitter. Criteria: Ambry Variant Classification Scheme 2023. Collection method: clinical testing. Allele origin: germline.
Comment: The p.A915D variant (also known as c.2744C>A), located in coding exon 4 of the MSH6 gene, results from a C to A substitution at nucleotide position 2744. The alanine at codon 915 is replaced by aspartic acid, an amino acid with dissimilar properties. This amino acid position is highly conserved in available vertebrate species. In addition, this alteration is predicted to be deleterious by in silico analysis. Since supporting evidence is limited at this time, the clinical significance of this alteration remains unclear.

Labcorp Genetics (formerly Invitae), Labcorp
Classification: Likely benign for Hereditary nonpolyposis colorectal neoplasms. Last evaluated: 2024-11-05. Review status: criteria provided, single submitter. Criteria: Invitae Variant Classification Sherloc (09022015). Collection method: clinical testing. Allele origin: germline.

NM_000179.3(MSH6):c.2744C>A (p.Ala915Asp)

Gene: MSH6 (mutS homolog 6; plus strand). Cytogenetic location: 2p16.3.
Variant type: single nucleotide variant.
Coding change: c.2744C>A on transcript NM_000179.3 (MANE Select); coding-DNA position 2744, C replaced by A.
Protein change: p.Ala915Asp; replaces alanine 915 with aspartic acid.
Molecular consequence: missense variant.
Genome position (GRCh38, 1-based): chr2:47,800,727, C>A. VCF-style: chr2-47800727-C-A. GRCh37 (hg19) VCF-style: chr2-48027866-C-A.
Other names: c.2354C>A, p.Ala785Asp (NM_001281492.2); c.1838C>A, p.Ala613Asp (NM_001281493.2, NM_001281494.2); short protein forms A915D, A785D, A613D.
Identifiers: ClinVar variation 410469 (VCV000410469.14), dbSNP rs766427609, ClinGen allele CA069576.